The following is an entry in ClinVar:

NM_000531.6(OTC):c.140_141insG (p.Asn47fs)

Gene: OTC (ornithine transcarbamylase; plus strand). Cytogenetic location: Xp11.4.
Variant type: Insertion.
Coding change: c.140_141insG on transcript NM_000531.6 (MANE Select); coding-DNA positions 140 to 141, G inserted.
Protein change: p.Asn47fs; shifts the reading frame from asparagine 47.
Molecular consequence: frameshift variant.
Genome position: GRCh38 VCF-style: chrX-38367353-A-AG. GRCh37 (hg19) VCF-style: chrX-38226606-A-AG.
Other names: short protein forms N47fs.
Identifiers: ClinVar variation 97114 (VCV000097114.3), dbSNP rs72554314, ClinGen allele CA224466.

ClinVar aggregate classification (germline): Likely pathogenic. Review status: criteria provided, single submitter (1 of 4 stars). 2 submissions from 2 submitters: Likely pathogenic (1). 1 of the submissions does not count toward it. Last evaluated 2020-09-14.

Conditions:
Ornithine carbamoyltransferase deficiency (OTCD). Also called: ORNITHINE TRANSCARBAMYLASE DEFICIENCY, HYPERAMMONEMIA DUE TO; ORNITHINE TRANSCARBAMYLASE DEFICIENCY; OTC DEFICIENCY; Ornithine Carbamoyltransferase Deficiency Disease. Identifiers: Orphanet 664, MedGen C0268542, MONDO:0010703, OMIM 311250.

Submissions (2):

Women's Health and Genetics/Laboratory Corporation of America, LabCorp
Classification: Likely pathogenic for Ornithine carbamoyltransferase deficiency. Last evaluated: 2020-09-14. Review status: criteria provided, single submitter. Criteria: LabCorp Variant Classification Summary - May 2015. Collection method: clinical testing. Allele origin: germline.
Comment: Variant summary: OTC c.140_141insG (p.Asn47LysfsX8) results in a premature termination codon, predicted to cause a truncation of the encoded protein or absence of the protein due to nonsense mediated decay, which are commonly known mechanisms for disease. Truncations downstream of this position have been classified as pathogenic by our laboratory. The variant was absent in 183170 control chromosomes (gnomAD). c.140_141insG has been reported in the literature in one individual affected with Ornithine Transcarbamylase Deficiency (Shimadzu_1998). These data indicate that the variant is very likely to be associated with disease. To our knowledge, no experimental evidence demonstrating an impact on protein function has been reported. No clinical diagnostic laboratories have submitted clinical-significance assessments for this variant to ClinVar after 2014. Based on the evidence outlined above, the variant was classified as likely pathogenic.

GenMed Metabolism Lab
Classification: Pathogenic. Review status: no assertion criteria provided. Collection method: not provided. Allele origin: unknown. Not counted in ClinVar's aggregate classification.
Comment: Frameshift , Neonatal
ClinVar note: Converted during submission from pathogenic to Pathogenic.

Literature cited by the submitters: PubMed 16786505 (cited by Women's Health and Genetics/Laboratory Corporation of America, LabCorp); PubMed 26059767 (cited by Women's Health and Genetics/Laboratory Corporation of America, LabCorp); PubMed 9452024 (cited by Women's Health and Genetics/Laboratory Corporation of America, LabCorp); PubMed 11793468 (cited by Women's Health and Genetics/Laboratory Corporation of America, LabCorp).